The following is an entry in ClinVar:

ClinVar aggregate classification (germline): Uncertain significance (1 of 4 stars; one submission).

Conditions:
Nephrotic syndrome. Identifiers: MedGen C0027726, MONDO:0005377, HP:0000100.

gnomAD v4.1: 65 of 1,613,972 alleles (0.004%); highest among the groups gnomAD compares: African/African-American, 0.051%; no homozygotes.

Submission:

Clinical Genomics Laboratory, Washington University in St. Louis
Classification: Uncertain significance for Nephrotic syndrome. Last evaluated: 2025-02-07. Review status: criteria provided, single submitter. Criteria: ACMG Guidelines, 2015. Collection method: clinical testing. Allele origin: germline.
Comment: A KANK4 c.2863G>A (p.Asp955Asn) variant was identified in a heterozygous state. This variant, to our knowledge, has not been reported in the medical literature. This variant is only observed on 22/280,898 alleles in the general population (gnomAD v.2.1.1), indicating it is not a common variant. Computational predictors suggest that the variant does not impact KANK4 function. Due to limited information, and based on ACMG/AMP guidelines for variant interpretation (Richards S et al., PMID: 25741868), the clinical significance of this variant is uncertain at this time.

NM_181712.5(KANK4):c.2863G>A (p.Asp955Asn)

Gene: KANK4 (KN motif and ankyrin repeat domains 4; minus strand). Cytogenetic location: 1p31.3.
Variant type: single nucleotide variant.
Coding change: c.2863G>A on transcript NM_181712.5 (MANE Select); coding-DNA position 2863, G replaced by A.
Protein change: p.Asp955Asn; replaces aspartic acid 955 with asparagine.
Molecular consequence: missense variant.
Genome position (GRCh38, 1-based): chr1:62,247,492, C>T on the plus strand (G>A on the coding strand, the complement: KANK4 is on the minus strand). VCF-style: chr1-62247492-C-T. GRCh37 (hg19) VCF-style: chr1-62713164-C-T.
Other names: c.979G>A, p.Asp327Asn (NM_001320269.2); short protein forms D327N, D955N.
Identifiers: ClinVar variation 4279922 (VCV004279922.1).